The following is an entry in ClinVar:

ClinVar aggregate classification (germline): Uncertain significance (1 of 4 stars; one submission).

Allele frequency attached by ClinVar (database versions not stated): gnomAD 0.00001.
gnomAD v4.1: 2 of 1,614,062 alleles (0.00012%); highest among the groups gnomAD compares: Admixed American, 0.0033%; no homozygotes.

Submission:

Labcorp Genetics (formerly Invitae), Labcorp
Classification: Uncertain significance. Last evaluated: 2022-06-26. Review status: criteria provided, single submitter. Criteria: Invitae Variant Classification Sherloc (09022015). Collection method: clinical testing. Allele origin: germline.
Comment: In summary, the available evidence is currently insufficient to determine the role of this variant in disease. Therefore, it has been classified as a Variant of Uncertain Significance. Algorithms developed to predict the effect of sequence changes on RNA splicing suggest that this variant may disrupt the consensus splice site. Algorithms developed to predict the effect of missense changes on protein structure and function are either unavailable or do not agree on the potential impact of this missense change (SIFT: "Deleterious"; PolyPhen-2: "Possibly Damaging"; Align-GVGD: "Class C0"). This variant has not been reported in the literature in individuals affected with TRAF3IP1-related conditions. This variant is not present in population databases (gnomAD no frequency). This sequence change replaces serine, which is neutral and polar, with leucine, which is neutral and non-polar, at codon 399 of the TRAF3IP1 protein (p.Ser399Leu).

NM_015650.4(TRAF3IP1):c.1196C>T (p.Ser399Leu)

Gene: TRAF3IP1 (TRAF3 interacting protein 1; plus strand). Cytogenetic location: 2q37.3.
Variant type: single nucleotide variant.
Coding change: c.1196C>T on transcript NM_015650.4 (MANE Select); coding-DNA position 1196, C replaced by T.
Protein change: p.Ser399Leu; replaces serine 399 with leucine.
Molecular consequence: missense variant. On other transcripts: intron variant (1).
Genome position (GRCh38, 1-based): chr2:238,344,533, C>T. VCF-style: chr2-238344533-C-T. GRCh37 (hg19) VCF-style: chr2-239253174-C-T.
Other names: c.1064-2922C>T (NM_001139490.1); short protein forms S399L.
Identifiers: ClinVar variation 2011030 (VCV002011030.4), dbSNP rs781304219, ClinGen allele CA351250982.